The following is an entry in ClinVar:

NM_001401501.2(MUC16):c.3630A>G (p.Thr1210=)

Gene: MUC16 (mucin 16, cell surface associated; minus strand). Cytogenetic location: 19p13.2.
Variant type: single nucleotide variant.
Coding change: c.3630A>G on transcript NM_001401501.2 (MANE Select); coding-DNA position 3630, A replaced by G.
Protein change: p.Thr1210=; no amino-acid change (threonine 1210 retained).
Molecular consequence: synonymous variant.
Genome position (GRCh38, 1-based): chr19:8,977,629, T>C on the plus strand (A>G on the coding strand, the complement: MUC16 is on the minus strand). VCF-style: chr19-8977629-T-C. GRCh37 (hg19) VCF-style: chr19-9088305-T-C.
Other names: c.4056A>G, p.Thr1352= (NM_001414686.1); c.3510A>G, p.Thr1170= (NM_001414687.1, NM_024690.2).
Identifiers: ClinVar variation 3041272 (VCV003041272.2), dbSNP rs149738203, ClinGen allele CA9173007.

ClinVar aggregate classification (germline): Benign (0 of 4 stars; one submission).

Conditions:
MUC16-related disorder. Also called: MUC16-related condition.

Allele frequency attached by ClinVar (database versions not stated): gnomAD exomes 0.00032; ExAC 0.00098; gnomAD 0.00317; TOPMed 0.00352; ESP Exome Variant Server 0.00419; 1000 Genomes Project 0.00539; 1000 Genomes Project 30x 0.00562.

Submission:

PreventionGenetics, part of Exact Sciences
Classification: Benign for MUC16-related condition. Last evaluated: 2019-05-31. Review status: no assertion criteria provided. Collection method: clinical testing. Allele origin: germline.
Comment: This variant is classified as benign based on ACMG/AMP sequence variant interpretation guidelines (Richards et al. 2015 PMID: 25741868, with internal and published modifications).